The following is an entry in ClinVar:

NM_000038.6(APC):c.1148C>T (p.Ala383Val)

Gene: APC (APC regulator of WNT signaling pathway; plus strand). Cytogenetic location: 5q22.2.
Variant type: single nucleotide variant.
Coding change: c.1148C>T on transcript NM_000038.6 (MANE Select); coding-DNA position 1148, C replaced by T.
Protein change: p.Ala383Val; replaces alanine 383 with valine.
Molecular consequence: missense variant. On other transcripts: non-coding transcript variant (2), intron variant (15).
Genome position (GRCh38, 1-based): chr5:112,819,180, C>T. VCF-style: chr5-112819180-C-T. GRCh37 (hg19) VCF-style: chr5-112154877-C-T.
Other names: c.1148C>T, p.Ala383Val (NM_001127510.3, NM_001354895.2, NM_001354896.2 and 4 more transcripts); c.1094C>T, p.Ala365Val (NM_001127511.3); c.1178C>T, p.Ala393Val (NM_001354897.2, NM_001407446.1); c.1073C>T, p.Ala358Val (NM_001354898.2, NM_001407451.1); c.1064C>T, p.Ala355Val (NM_001354899.2, NM_001407452.1); c.971C>T, p.Ala324Val (NM_001354900.2, NM_001354901.2, NM_001407453.1); c.299C>T, p.Ala100Val (NM_001354906.2, NM_001407470.1); c.85-89C>T (NM_001407472.1, NM_001407471.1); and 5 more; short protein forms A100V, A324V, A355V, A358V, A365V, A383V, A393V.
Identifiers: ClinVar variation 3072728 (VCV003072728.1), dbSNP rs2149781721, ClinGen allele CA16023821.
Genomic context (GRCh38, chr5:112,819,180, plus strand): 5'-ATGACAAAGACTCTGTATTGTTGGGAAATTCCCGGGGCAGTAAAGAGGCTCGGGCCAGGG[C>T]CAGTGCAGCACTCCACAACATCATTCACTCACAGCCTGATGACAAGAGAGGCAGGCGTGA-3'
Protein context (NP_000029.2, residues 373-393): SRGSKEARAR[Ala383Val]SAALHNIIHS

ClinVar aggregate classification (germline): Uncertain significance (1 of 4 stars; one submission).

Conditions:
Classic or attenuated familial adenomatous polyposis. Identifiers: MedGen CN372698, MONDO:0021057.

Submission:

All of Us Research Program, National Institutes of Health
Classification: Uncertain significance for Classic or attenuated familial adenomatous polyposis. Last evaluated: 2023-08-15. Review status: criteria provided, single submitter. Criteria: ACMG Guidelines, 2015. Collection method: clinical testing. Allele origin: germline. Inheritance: Autosomal dominant inheritance. Observed: 1 variant allele, 1 heterozygote.
Comment: This missense variant replaces alanine with valine at codon 383 of the APC protein. Computational prediction is inconclusive regarding the impact of this variant on protein structure and function (internally defined REVEL score threshold 0.5 < inconclusive < 0.7, PMID: 27666373). To our knowledge, functional studies have not been reported for this variant. This variant has not been reported in individuals affected with APC-related disorders in the literature. This variant has not been identified in the general population by the Genome Aggregation Database (gnomAD). The available evidence is insufficient to determine the role of this variant in disease conclusively. Therefore, this variant is classified as a Variant of Uncertain Significance.

This study involves interpretation of variants in research participants for the purpose of population health screening. Participant phenotype was not available at the time of variant classification. Additional details can be found in publication PMID: 35346344, PMCID: PMC8962531